The following is an entry in ClinVar:

ClinVar aggregate classification (germline): Uncertain significance (1 of 4 stars; one submission).

Submission:

Labcorp Genetics (formerly Invitae), Labcorp
Classification: Uncertain significance. Last evaluated: 2022-11-23. Review status: criteria provided, single submitter. Criteria: Invitae Variant Classification Sherloc (09022015). Collection method: clinical testing. Allele origin: germline.
Comment: In summary, the available evidence is currently insufficient to determine the role of this variant in disease. Therefore, it has been classified as a Variant of Uncertain Significance. Advanced modeling of protein sequence and biophysical properties (such as structural, functional, and spatial information, amino acid conservation, physicochemical variation, residue mobility, and thermodynamic stability) performed at Invitae indicates that this missense variant is expected to disrupt MYH7B protein function. This variant has not been reported in the literature in individuals affected with MYH7B-related conditions. This variant is not present in population databases (gnomAD no frequency). This sequence change replaces threonine, which is neutral and polar, with asparagine, which is neutral and polar, at codon 377 of the MYH7B protein (p.Thr377Asn).

NM_020884.7(MYH7B):c.1004C>A (p.Thr335Asn)

Gene: MYH7B (myosin heavy chain 7B; plus strand). Cytogenetic location: 20q11.22.
Variant type: single nucleotide variant.
Coding change: c.1004C>A on transcript NM_020884.7 (MANE Select); coding-DNA position 1004, C replaced by A.
Protein change: p.Thr335Asn; replaces threonine 335 with asparagine.
Molecular consequence: missense variant.
Genome position (GRCh38, 1-based): chr20:34,986,985, C>A. VCF-style: chr20-34986985-C-A. GRCh37 (hg19) VCF-style: chr20-33574788-C-A.
Other names: short protein forms T335N.
Identifiers: ClinVar variation 2805572 (VCV002805572.3), dbSNP rs2082038284, ClinGen allele CA408700001.